The following is an entry in ClinVar:

NM_001289104.2(PRKCSH):c.984A>G (p.Glu328=)

Gene: PRKCSH (PRKCSH beta subunit of glucosidase II; plus strand). Cytogenetic location: 19p13.2.
Variant type: single nucleotide variant.
Coding change: c.984A>G on transcript NM_001289104.2 (MANE Select); coding-DNA position 984, A replaced by G.
Protein change: p.Glu328=; no amino-acid change (glutamic acid 328 retained).
Molecular consequence: synonymous variant.
Genome position (GRCh38, 1-based): chr19:11,447,573, A>G. VCF-style: chr19-11447573-A-G. GRCh37 (hg19) VCF-style: chr19-11558388-A-G.
Other names: c.984A>G, p.Glu328= (NM_001001329.3, NM_001289102.2, NM_001289103.2 and 3 more transcripts).
Identifiers: ClinVar variation 4872137 (VCV004872137.2).

ClinVar aggregate classification (germline): Likely benign (1 of 4 stars; one submission).

gnomAD v4.1: 44 of 1,570,624 alleles (0.0028%); highest among the groups gnomAD compares: Middle Eastern, 0.1%; no homozygotes.

Submission:

CeGaT Center for Human Genetics Tuebingen
Classification: Likely benign. Last evaluated: 2026-06-01. Review status: criteria provided, single submitter. Criteria: CeGaT Center For Human Genetics Tuebingen Variant Classification Criteria Version 2. Collection method: clinical testing. Allele origin: germline. Affected: yes. Observed: 1 variant allele.
Comment: PRKCSH: BP4, BP7